The following is an entry in ClinVar:

NM_000329.3(RPE65):c.782del (p.Leu261fs)

Gene: RPE65 (retinoid isomerohydrolase RPE65; minus strand). Cytogenetic location: 1p31.3.
Variant type: Deletion.
Coding change: c.782del on transcript NM_000329.3 (MANE Select); coding-DNA position 782, one base deleted (T; older notation c.782delT).
Protein change: p.Leu261fs; shifts the reading frame from leucine 261.
Molecular consequence: frameshift variant.
Genome position (GRCh38, 1-based): chr1:68,439,267, A deleted on the plus strand (T on the coding strand, the reverse complement: RPE65 is on the minus strand). VCF-style (leftmost placement, unchanged base first): chr1-68439266-CA-C. GRCh37 (hg19) VCF-style: chr1-68904949-CA-C.
Other names: c.674del, p.Leu225fs (NM_001406853.1); c.506del, p.Leu169fs (NM_001406856.1, NM_001406857.1); c.782del, p.Leu261fs (NM_001406859.1); short protein forms L169fs, L225fs, L261fs.
Identifiers: ClinVar variation 5015768 (VCV005015768.1).

ClinVar aggregate classification (germline): Pathogenic (1 of 4 stars; one submission).

Conditions:
RPE65-related recessive retinopathy. Also called: Recessive RPE65 retinopathy. Identifiers: MedGen CN305526, MONDO:0100368.

Submission:

Myriad Genetics, Inc.
Classification: Pathogenic for RPE65-related recessive retinopathy. Last evaluated: 2026-04-04. Review status: criteria provided, single submitter. Criteria: Myriad Autosomal Dominant, Autosomal Recessive and X-Linked Classification Criteria (2023). Collection method: clinical testing. Allele origin: unknown.
Comment: NM_000329.2(RPE65):c.782delT(L261Rfs*64) is expected to be pathogenic in the context of inherited retinal dystrophy, RPE65-related. This variant is predicted to lead to an abnormal or absent protein product due to the creation of a premature termination codon in RPE65, a gene where loss-of-function variants are known to be pathogenic. Please note: this variant was assessed in the context of healthy population screening.